The following is an entry in ClinVar:

ClinVar aggregate classification (germline): Pathogenic. Review status: criteria provided, single submitter (1 of 4 stars). 4 submissions from 3 submitters: Pathogenic (1). 3 of the submissions do not count toward it. Last evaluated 2011-08-23.
ClinVar aggregate classification (somatic clinical impact): Tier II - Potential. Review status: criteria provided, single submitter (1 of 4 stars). 2 submissions from 1 submitter. Last evaluated 2024-05-16.
ClinVar aggregate classification (oncogenicity): Oncogenic (1 of 4 stars; one submission).

Conditions:
Carcinoma of colon (CRC). Also called: Colonic carcinoma; Colon carcinoma. Identifiers: MedGen C0699790, MONDO:0002032.
Non-small cell lung carcinoma (NSCLC). Also called: Non-small cell lung cancer. Identifiers: MedGen C0007131, MeSH D002289, MONDO:0005233, HP:0030358. Disease mechanism: Other.
Lung adenocarcinoma. Also called: Adenocarcinoma of lung; Adenocarcinoma of lung, somatic. Identifiers: MedGen C0152013, MeSH D000077192, MONDO:0005061, HP:0030078.
Thyroid cancer, nonmedullary, 2 (NMTC2). Also called: THYROID CARCINOMA, FOLLICULAR; THYROID CANCER, NONMEDULLARY, 2, SUSCEPTIBILITY TO; Thyroid carcinoma, follicular, somatic. Identifiers: MedGen C4225426, MONDO:0008566, OMIM 188470.
Diffuse pediatric-type high-grade glioma, H3-wildtype and IDH-wildtype. Identifiers: MedGen C5669918, MONDO:0858939.
Neuroblastoma (NB). Identifiers: Orphanet 635, MedGen C0027819, MeSH D009447, MONDO:0005072, HP:0003006.
Neoplasm. Also called: Neoplasms; Neoplasm (disease); tumor. Identifiers: MedGen C0027651, MeSH D009369, MONDO:0005070, HP:0002664.

Allele frequency attached by ClinVar (database versions not stated): gnomAD exomes below 0.00001; TOPMed below 0.00001.

Submissions (7):

Center for Genomic Medicine, Rigshospitalet, Copenhagen University Hospital
Classification: Oncogenic for Neoplasm. Last evaluated: 2025-03-04. Review status: criteria provided, single submitter. Criteria: ClinGen/CGC/VICC Guidelines for Oncogenicity, 2022. Collection method: clinical testing. Allele origin: somatic. Affected: yes.

Institute for Genomic Medicine (IGM) Clinical Laboratory, Nationwide Children's Hospital
Classification: Tier II - Potential for Neuroblastoma. Assertion type: diagnostic. Clinical significance: supports diagnosis. Last evaluated: 2024-05-16. Review status: criteria provided, single submitter. Criteria: AMP/ASCO/CAP Guidelines, 2017. Collection method: clinical testing. Allele origin: somatic. Affected: yes.
Comment: Variant has Tier II (potential) clinical significance as a diagnostic inclusion criterion in neuroblastoma, based on the following evidence: 1) Documented in one or more cancer databases (e.g., St. Jude Pecan, COSMIC, CIViC, OncoKB). 2) Information in the literature supports potential biologic effect of variant (PMID: 26343582). 3) Diagnostic significance based on multiple small studies (Evidence Level C; PMIDs: 22142829, 26121087, 34331515, 33056981).

Institute for Genomic Medicine (IGM) Clinical Laboratory, Nationwide Children's Hospital
Classification: Tier II - Potential for Diffuse pediatric-type high-grade glioma, H3-wildtype and IDH-wildtype. Assertion type: diagnostic. Clinical significance: supports diagnosis. Last evaluated: 2023-07-03. Review status: criteria provided, single submitter. Criteria: AMP/ASCO/CAP Guidelines, 2017. Collection method: clinical testing. Allele origin: somatic. Affected: yes.
Comment: Variant has Tier II (potential) clinical significance as a diagnostic inclusion criterion in diffuse pediatric-type high-grade glioma, H3-wildtype and IDH-wildtype, based on the following evidence: 1) Documented in one or more cancer databases (e.g., St. Jude Pecan, COSMIC, CIViC, OncoKB). 2) Appears in one or more well-established professional guidelines (e.g., World Health Organization [WHO]; National Comprehensive Cancer Network [NCCN]) as providing diagnostic, prognostic, or therapeutic information. 3) Diagnostic significance based on multiple small studies (Evidence Level C; PMIDs: 24705251, 28966033).

Laboratory for Molecular Medicine, Mass General Brigham Personalized Medicine
Classification: Pathogenic for Non-small cell lung carcinoma. Last evaluated: 2011-08-23. Review status: criteria provided, single submitter. Criteria: LMM Criteria. Collection method: clinical testing. Allele origin: somatic. Observed: 1 variant allele.

OMIM
Classification: Pathogenic for COLORECTAL CANCER, SOMATIC. Last evaluated: 2005-09-01. Review status: no assertion criteria provided. Collection method: literature only. Allele origin: somatic. Not counted in ClinVar's aggregate classification.

OMIM
Classification: Pathogenic for THYROID CARCINOMA, FOLLICULAR, SOMATIC. Last evaluated: 2005-09-01. Review status: no assertion criteria provided. Collection method: literature only. Allele origin: somatic. Not counted in ClinVar's aggregate classification.

Key Laboratory of Carcinogenesis and Cancer Invasion, Central South University
Classification: Likely pathogenic for Adenocarcinoma of lung. Review status: no assertion criteria provided. Collection method: clinical testing. Allele origin: somatic. Affected: yes. Not counted in ClinVar's aggregate classification.

Literature cited by the submitters: PubMed 22798288 (cited by Center for Genomic Medicine, Rigshospitalet, Copenhagen University Hospital); PubMed 28783719 (cited by Center for Genomic Medicine, Rigshospitalet, Copenhagen University Hospital); PubMed 32059434 (cited by Center for Genomic Medicine, Rigshospitalet, Copenhagen University Hospital); PubMed 29533785 (cited by Center for Genomic Medicine, Rigshospitalet, Copenhagen University Hospital); PubMed 18697864 (cited by Center for Genomic Medicine, Rigshospitalet, Copenhagen University Hospital); PubMed 26343582 (cited by Institute for Genomic Medicine (IGM) Clinical Laboratory, Nationwide Children's Hospital); PubMed 22142829 (cited by Institute for Genomic Medicine (IGM) Clinical Laboratory, Nationwide Children's Hospital); PubMed 26121087 (cited by Institute for Genomic Medicine (IGM) Clinical Laboratory, Nationwide Children's Hospital); PubMed 34331515 (cited by Institute for Genomic Medicine (IGM) Clinical Laboratory, Nationwide Children's Hospital); PubMed 33056981 (cited by Institute for Genomic Medicine (IGM) Clinical Laboratory, Nationwide Children's Hospital); PubMed 24705251 (cited by Institute for Genomic Medicine (IGM) Clinical Laboratory, Nationwide Children's Hospital); PubMed 28966033 (cited by Institute for Genomic Medicine (IGM) Clinical Laboratory, Nationwide Children's Hospital); PubMed 12068308 (cited by Laboratory for Molecular Medicine, Mass General Brigham Personalized Medicine); PubMed 12198537 (cited by OMIM); PubMed 12960123 (cited by OMIM); PubMed 16187918 (cited by OMIM).

NM_004333.6(BRAF):c.1801A>G (p.Lys601Glu)

Gene: BRAF (B-Raf proto-oncogene, serine/threonine kinase; minus strand). Cytogenetic location: 7q34.
Variant type: single nucleotide variant.
Coding change: c.1801A>G on transcript NM_004333.6 (MANE Select); coding-DNA position 1801, A replaced by G.
Protein change: p.Lys601Glu; replaces lysine 601 with glutamic acid.
Molecular consequence: missense variant.
Genome position (GRCh38, 1-based): chr7:140,753,334, T>C on the plus strand (A>G on the coding strand, the complement: BRAF is on the minus strand). VCF-style: chr7-140753334-T-C. GRCh37 (hg19) VCF-style: chr7-140453134-T-C.
Other names: c.1801A>G, p.Lys601Glu (NM_001354609.2, NM_001378468.1, NM_001378474.1); c.1921A>G, p.Lys641Glu (NM_001374244.1, NM_001374258.1); c.1810A>G, p.Lys604Glu (NM_001378467.1); c.1735A>G, p.Lys579Glu (NM_001378469.1); c.1699A>G, p.Lys567Glu (NM_001378470.1); c.1690A>G, p.Lys564Glu (NM_001378471.1); c.1645A>G, p.Lys549Glu (NM_001378472.1, NM_001378473.1); c.1537A>G, p.Lys513Glu (NM_001378475.1); short protein forms K601E, K567E, K579E, K513E, K604E, K641E, K549E, K564E.
Identifiers: ClinVar variation 13966 (VCV000013966.10), dbSNP rs121913364, ClinGen allele CA123645.